The following is an entry in ClinVar:

ClinVar aggregate classification (germline): Uncertain significance (1 of 4 stars; one submission).

Allele frequency attached by ClinVar (database versions not stated): gnomAD exomes below 0.00001 and 0.00001; TOPMed below 0.00001; ExAC 0.00002.
gnomAD v4.1: 6 of 1,613,990 alleles (0.00037%); highest among the groups gnomAD compares: Admixed American, 0.0067%; no homozygotes.

Submission:

Labcorp Genetics (formerly Invitae), Labcorp
Classification: Uncertain significance. Last evaluated: 2023-11-27. Review status: criteria provided, single submitter. Criteria: Invitae Variant Classification Sherloc (09022015). Collection method: clinical testing. Allele origin: germline.
Comment: This sequence change replaces methionine, which is neutral and non-polar, with isoleucine, which is neutral and non-polar, at codon 662 of the HK1 protein (p.Met662Ile). This variant is present in population databases (rs756906926, gnomAD 0.003%). This variant has not been reported in the literature in individuals affected with HK1-related conditions. ClinVar contains an entry for this variant (Variation ID: 1465169). Advanced modeling of protein sequence and biophysical properties (such as structural, functional, and spatial information, amino acid conservation, physicochemical variation, residue mobility, and thermodynamic stability) has been performed at Invitae for this missense variant, however the output from this modeling did not meet the statistical confidence thresholds required to predict the impact of this variant on HK1 protein function. In summary, the available evidence is currently insufficient to determine the role of this variant in disease. Therefore, it has been classified as a Variant of Uncertain Significance.

NM_000188.3(HK1):c.1986G>C (p.Met662Ile)

Gene: HK1 (hexokinase 1; plus strand). Cytogenetic location: 10q22.1.
Variant type: single nucleotide variant.
Coding change: c.1986G>C on transcript NM_000188.3 (MANE Select); coding-DNA position 1986, G replaced by C.
Protein change: p.Met662Ile; replaces methionine 662 with isoleucine.
Molecular consequence: missense variant.
Genome position (GRCh38, 1-based): chr10:69,389,247, G>C. VCF-style: chr10-69389247-G-C. GRCh37 (hg19) VCF-style: chr10-71149003-G-C.
Other names: c.1998G>C, p.Met666Ile (NM_001322364.2, NM_001358263.1, NM_033497.3 and 1 more transcripts); c.2091G>C, p.Met697Ile (NM_001322365.2); c.1902G>C, p.Met634Ile (NM_001322366.1); c.1890G>C, p.Met630Ile (NM_001322367.1); c.1983G>C, p.Met661Ile (NM_033496.3); c.1950G>C, p.Met650Ile (NM_033500.2); short protein forms M666I, M634I, M662I, M697I, M630I, M650I, M661I.
Identifiers: ClinVar variation 1465169 (VCV001465169.6), dbSNP rs756906926, ClinGen allele CA5532747.
Genomic context (GRCh38, chr10:69,389,247, plus strand): 5'-CTTTGCAAAGGAATTTGACCTGGACGTGGTGGCTGTGGTCAACGACACAGTGGGCACCAT[G>C]ATGACCTGTGCTTATGAGGAGCCCACCTGTGAGGTTGGACTCATTGTTGGTGAGTGTCCT-3'
Protein context (NP_000179.2, residues 652-672): VAVVNDTVGT[Met662Ile]MTCAYEEPTC